The following is an entry in ClinVar:

NM_000492.4(CFTR):c.1905T>A (p.Asn635Lys)

Gene: CFTR (CF transmembrane conductance regulator; plus strand). Cytogenetic location: 7q31.2.
Variant type: single nucleotide variant.
Coding change: c.1905T>A on transcript NM_000492.4 (MANE Select); coding-DNA position 1905, T replaced by A.
Protein change: p.Asn635Lys; replaces asparagine 635 with lysine.
Molecular consequence: missense variant.
Genome position (GRCh38, 1-based): chr7:117,592,072, T>A. VCF-style: chr7-117592072-T-A. GRCh37 (hg19) VCF-style: chr7-117232126-T-A.
Other names: short protein forms N635K.
Identifiers: ClinVar variation 2453612 (VCV002453612.2), dbSNP rs2485109410, ClinGen allele CA368978738.

ClinVar aggregate classification (germline): Uncertain significance (1 of 4 stars; one submission).

Conditions:
Cystic fibrosis (CF). Also called: MUCOVISCIDOSIS. Identifiers: Orphanet 586, MedGen C0010674, MONDO:0009061, OMIM 219700. Disease mechanism: loss of function.

Submission:

Ambry Genetics
Classification: Uncertain significance for Cystic fibrosis. Last evaluated: 2022-11-10. Review status: criteria provided, single submitter. Criteria: Ambry Variant Classification Scheme 2023. Collection method: clinical testing. Allele origin: germline.
Comment: The p.N635K variant (also known as c.1905T>A), located in coding exon 14 of the CFTR gene, results from a T to A substitution at nucleotide position 1905. The asparagine at codon 635 is replaced by lysine, an amino acid with similar properties. This amino acid position is conserved. In addition, this alteration is predicted to be tolerated by in silico analysis. Since supporting evidence is limited at this time, the clinical significance of this alteration remains unclear.